The following is an entry in ClinVar:

ClinVar aggregate classification (germline): Uncertain significance (1 of 4 stars; one submission).

Conditions:
Combined immunodeficiency due to DOCK8 deficiency (HIES2). Also called: HIES autosomal recessive; Hyper-IgE recurrent infection syndrome, autosomal recessive; HYPER-IgE RECURRENT INFECTION SYNDROME 2, AUTOSOMAL RECESSIVE; HYPER-IgE SYNDROME 2, AUTOSOMAL RECESSIVE, WITH RECURRENT INFECTIONS; DOCK8 Deficiency. Identifiers: Orphanet 217390, MedGen C4722305, MONDO:0009478, OMIM 243700.

Allele frequency attached by ClinVar (database versions not stated): ExAC 0.00001.

Submission:

Labcorp Genetics (formerly Invitae), Labcorp
Classification: Uncertain significance for Combined immunodeficiency due to DOCK8 deficiency. Last evaluated: 2022-02-28. Review status: criteria provided, single submitter. Criteria: Invitae Variant Classification Sherloc (09022015). Collection method: clinical testing. Allele origin: germline.
Comment: In summary, the available evidence is currently insufficient to determine the role of this variant in disease. Therefore, it has been classified as a Variant of Uncertain Significance. Algorithms developed to predict the effect of missense changes on protein structure and function are either unavailable or do not agree on the potential impact of this missense change (SIFT: "Deleterious"; PolyPhen-2: "Probably Damaging"; Align-GVGD: "Class C0"). This variant has not been reported in the literature in individuals affected with DOCK8-related conditions. This variant is present in population databases (rs746244975, gnomAD 0.007%). This sequence change replaces leucine, which is neutral and non-polar, with valine, which is neutral and non-polar, at codon 1167 of the DOCK8 protein (p.Leu1167Val).

NM_203447.4(DOCK8):c.3499C>G (p.Leu1167Val)

Gene: DOCK8 (dedicator of cytokinesis 8; plus strand). Cytogenetic location: 9p24.3.
Variant type: single nucleotide variant.
Coding change: c.3499C>G on transcript NM_203447.4 (MANE Select); coding-DNA position 3499, C replaced by G.
Protein change: p.Leu1167Val; replaces leucine 1167 with valine.
Molecular consequence: missense variant.
Genome position (GRCh38, 1-based): chr9:407,038, C>G. VCF-style: chr9-407038-C-G. GRCh37 (hg19) VCF-style: chr9-407038-C-G.
Other names: c.3199C>G, p.Leu1067Val (NM_001190458.2); c.3295C>G, p.Leu1099Val (NM_001193536.2); short protein forms L1099V, L1067V, L1167V.
Identifiers: ClinVar variation 2100143 (VCV002100143.4), dbSNP rs746244975, ClinGen allele CA4958702.